The following is an entry in ClinVar:

ClinVar aggregate classification (germline): Likely benign (1 of 4 stars; one submission).

Allele frequency attached by ClinVar (database versions not stated): gnomAD 0.00454 and 0.00480; TOPMed 0.00502; 1000 Genomes Project 0.00559; 1000 Genomes Project 30x 0.00656.
gnomAD v4.1: 684 of 152,292 alleles (0.45%); highest among the groups gnomAD compares: African/African-American, 1.5%; 5 homozygotes.

Submission:

GeneDx
Classification: Likely benign. Last evaluated: 2018-06-16. Review status: criteria provided, single submitter. Criteria: GeneDx Variant Classification (06012015). Collection method: clinical testing. Allele origin: germline. Affected: yes.
Comment: This variant is considered likely benign or benign based on one or more of the following criteria: it is a conservative change, it occurs at a poorly conserved position in the protein, it is predicted to be benign by multiple in silico algorithms, and/or has population frequency not consistent with disease.

NM_016203.4(PRKAG2):c.186+241G>A

Gene: PRKAG2 (protein kinase AMP-activated non-catalytic subunit gamma 2; minus strand). Cytogenetic location: 7q36.1.
Variant type: single nucleotide variant.
Coding change: c.186+241G>A on transcript NM_016203.4 (MANE Select); 241 bases into the intron after coding-DNA position 186, G replaced by A.
Molecular consequence: intron variant.
Genome position (GRCh38, 1-based): chr7:151,786,229, C>T on the plus strand (G>A on the coding strand, the complement: PRKAG2 is on the minus strand). VCF-style: chr7-151786229-C-T. GRCh37 (hg19) VCF-style: chr7-151483315-C-T.
Other names: c.54+241G>A (NM_001040633.2).
Identifiers: ClinVar variation 680026 (VCV000680026.1), dbSNP rs151014818, ClinGen allele CA169174234.